The following is an entry in ClinVar:

ClinVar aggregate classification (germline): Uncertain significance (1 of 4 stars; one submission).

Conditions:
EGFR-related lung cancer (EGFR). Identifiers: MedGen CN130014.

Allele frequency attached by ClinVar (database versions not stated): TOPMed below 0.00001.

Submission:

Labcorp Genetics (formerly Invitae), Labcorp
Classification: Uncertain significance for EGFR-related lung cancer. Last evaluated: 2020-10-20. Review status: criteria provided, single submitter. Criteria: Invitae Variant Classification Sherloc (09022015). Collection method: clinical testing. Allele origin: germline.
Comment: Algorithms developed to predict the effect of missense changes on protein structure and function (SIFT, PolyPhen-2, Align-GVGD) all suggest that this variant is likely to be tolerated, but these predictions have not been confirmed by published functional studies and their clinical significance is uncertain. This variant has not been reported in the literature in individuals with EGFR-related conditions. This variant is not present in population databases (ExAC no frequency). This sequence change replaces glutamic acid with glutamine at codon 697 of the EGFR protein (p.Glu697Gln). The glutamic acid residue is moderately conserved and there is a small physicochemical difference between glutamic acid and glutamine. In summary, the available evidence is currently insufficient to determine the role of this variant in disease. Therefore, it has been classified as a Variant of Uncertain Significance.

NM_005228.5(EGFR):c.2089G>C (p.Glu697Gln)

Gene: EGFR (epidermal growth factor receptor; plus strand). Cytogenetic location: 7p11.2.
Variant type: single nucleotide variant.
Coding change: c.2089G>C on transcript NM_005228.5 (MANE Select); coding-DNA position 2089, G replaced by C.
Protein change: p.Glu697Gln; replaces glutamic acid 697 with glutamine.
Molecular consequence: missense variant.
Genome position (GRCh38, 1-based): chr7:55,173,948, G>C. VCF-style: chr7-55173948-G-C. GRCh37 (hg19) VCF-style: chr7-55241641-G-C.
Other names: c.1954G>C, p.Glu652Gln (NM_001346897.2, NM_001346899.2); c.2089G>C, p.Glu697Gln (NM_001346898.2); c.1930G>C, p.Glu644Gln (NM_001346900.2); c.1288G>C, p.Glu430Gln (NM_001346941.2); short protein forms E430Q, E644Q, E652Q, E697Q.
Identifiers: ClinVar variation 998800 (VCV000998800.5), dbSNP rs936074781, ClinGen allele CA158931874.